The following is an entry in ClinVar:

ClinVar aggregate classification (germline): Uncertain significance (0 of 4 stars; one submission).

Conditions:
Nephronophthisis. Also called: Juvenile Nephronophthisis. Identifiers: Orphanet 655, MedGen C0687120, MONDO:0019005, HP:0000090.

Allele frequency attached by ClinVar (database versions not stated): gnomAD exomes below 0.00001.
gnomAD v4.1: 2 of 1,614,200 alleles (0.00012%); highest among the groups gnomAD compares: East Asian, 0.0045%; no homozygotes.

Submission:

Sydney Genome Diagnostics, Children's Hospital Westmead
Classification: Uncertain significance for Nephronophthisis. Last evaluated: 2019-03-01. Review status: no assertion criteria provided. Collection method: clinical testing. Allele origin: unknown. Affected: yes. Observed: 1 variant allele, 1 compound heterozygote.
Comment: This variant has been reported in the gnomAD browser in a single individual ( frequency of 0.0004%: 1 out of 251,272 alleles). To our knowledge, this variant has not been previously reported in the literature or any disease specific databases to be a disease causing variant. In silico analysis of pathogenicity (through Alamut Visual v2.8.1) using PolyPhen2 and SIFT both predict this variant to be a likely pathogenic variant. However, this analysis alone cannot be used to confirm pathogenicity. This variant is considered to be a variant of uncertain clinical significance (VOUS) according to the ACMG guidelines (Evidence used: PM2, PP3).

NM_015662.3(IFT172):c.2327C>T (p.Ala776Val)

Gene: IFT172 (intraflagellar transport 172; minus strand). Cytogenetic location: 2p23.3.
Variant type: single nucleotide variant.
Coding change: c.2327C>T on transcript NM_015662.3 (MANE Select); coding-DNA position 2327, C replaced by T.
Protein change: p.Ala776Val; replaces alanine 776 with valine.
Molecular consequence: missense variant.
Genome position (GRCh38, 1-based): chr2:27,461,384, G>A on the plus strand (C>T on the coding strand, the complement: IFT172 is on the minus strand). VCF-style: chr2-27461384-G-A. GRCh37 (hg19) VCF-style: chr2-27684251-G-A.
Other names: short protein forms A776V.
Identifiers: ClinVar variation 988119 (VCV000988119.1), dbSNP rs1317766293, ClinGen allele CA346384330.